The following is an entry in ClinVar:

NM_022081.6(HPS4):c.839C>G (p.Ser280Ter)

Gene: HPS4 (HPS4 biogenesis of lysosomal organelles complex 3 subunit 2; minus strand). Cytogenetic location: 22q12.1.
Variant type: single nucleotide variant.
Coding change: c.839C>G on transcript NM_022081.6 (MANE Select); coding-DNA position 839, C replaced by G.
Protein change: p.Ser280Ter; replaces serine 280 with a stop codon.
Molecular consequence: nonsense. On other transcripts: non-coding transcript variant (8).
Genome position (GRCh38, 1-based): chr22:26,464,791, G>C on the plus strand (C>G on the coding strand, the complement: HPS4 is on the minus strand). VCF-style: chr22-26464791-G-C. GRCh37 (hg19) VCF-style: chr22-26860757-G-C.
Other names: c.839C>G, p.Ser280Ter (NM_001349896.1, NM_001349898.2, NM_001349899.2 and 5 more transcripts); c.893C>G, p.Ser298Ter (NM_001349900.2, NM_001349901.1); c.824C>G, p.Ser275Ter (NM_152841.2); short protein forms S280*, S298*, S275*.
Identifiers: ClinVar variation 2725299 (VCV002725299.3), dbSNP rs369777121, ClinGen allele CA411028718.
Genomic context (GRCh38, chr22:26,464,791, plus strand): 5'-TGGCCAGTGGCGTTTTCTTTCAGGGCAGATGTGCTCCCACCCTTTGGATGGTGCTGGGCT[G>C]AACCATCCTGGAGTCCTGCTGGAGATGCTAGAGACCTGGCAAACAAGAGAGATGTAAGGA-3'

ClinVar aggregate classification (germline): Pathogenic (1 of 4 stars; one submission).

Submission:

Labcorp Genetics (formerly Invitae), Labcorp
Classification: Pathogenic. Last evaluated: 2023-06-23. Review status: criteria provided, single submitter. Criteria: Invitae Variant Classification Sherloc (09022015). Collection method: clinical testing. Allele origin: germline.
Comment: This variant is not present in population databases (gnomAD no frequency). This sequence change creates a premature translational stop signal (p.Ser280*) in the HPS4 gene. It is expected to result in an absent or disrupted protein product. Loss-of-function variants in HPS4 are known to be pathogenic (PMID: 12664304). For these reasons, this variant has been classified as Pathogenic. This variant has not been reported in the literature in individuals affected with HPS4-related conditions.

Literature cited by the submitters: PubMed 12664304.